The following is an entry in ClinVar:

ClinVar aggregate classification (germline): Conflicting classifications of pathogenicity. Review status: criteria provided, conflicting classifications (1 of 4 stars). 3 submissions from 3 submitters: Uncertain significance (1); Likely benign (1). 1 of the submissions does not count toward it. Last evaluated 2026-01-21.

Conditions:
ARHGAP24-related disorder. Also called: ARHGAP24-related condition.

Allele frequency attached by ClinVar (database versions not stated): gnomAD 0.00007 and 0.00008; gnomAD exomes 0.00014 and 0.00069; 1000 Genomes Project 0.00020; TOPMed 0.00020; 1000 Genomes Project 30x 0.00031; ExAC 0.00047.
gnomAD v4.1: 206 of 1,613,448 alleles (0.013%); highest among the groups gnomAD compares: Admixed American, 0.34%; 2 homozygotes.

Submissions (3):

Labcorp Genetics (formerly Invitae), Labcorp
Classification: Likely benign. Last evaluated: 2026-01-21. Review status: criteria provided, single submitter. Criteria: Invitae Variant Classification Sherloc (09022015). Collection method: clinical testing. Allele origin: germline.

GeneDx
Classification: Uncertain significance. Last evaluated: 2016-03-10. Review status: criteria provided, single submitter. Criteria: GeneDx Variant Classification (06012015). Collection method: clinical testing. Allele origin: germline. Affected: yes.
Comment: The S639N variant in the ARHGAP24 gene has not been reported previously as a pathogenic variant, nor as a benign variant, to our knowledge. This variant was not observed in approximately 6500 individuals of European and African American ancestry in the NHLBI Exome Sequencing Project, indicating it is not a common benign variant in these populations. The S639N variant is a conservative amino acid substitution, which is not likely to impact secondary protein structure as these residues share similar properties. This substitution occurs at a position that is not conserved. In silico analysis is inconsistent in its predictions as to whether or not the variant is damaging to the protein structure/function. We interpret S639N as a variant of uncertain significance.

PreventionGenetics, part of Exact Sciences
Classification: Likely benign for ARHGAP24-related condition. Last evaluated: 2021-04-29. Review status: no assertion criteria provided. Collection method: clinical testing. Allele origin: germline. Not counted in ClinVar's aggregate classification.
Comment: This variant is classified as likely benign based on ACMG/AMP sequence variant interpretation guidelines (Richards et al. 2015 PMID: 25741868, with internal and published modifications).

NM_001025616.3(ARHGAP24):c.1916G>A (p.Ser639Asn)

Gene: ARHGAP24 (Rho GTPase activating protein 24; plus strand). Cytogenetic location: 4q21.23.
Variant type: single nucleotide variant.
Coding change: c.1916G>A on transcript NM_001025616.3 (MANE Select); coding-DNA position 1916, G replaced by A.
Protein change: p.Ser639Asn; replaces serine 639 with asparagine.
Molecular consequence: missense variant.
Genome position (GRCh38, 1-based): chr4:85,995,570, G>A. VCF-style: chr4-85995570-G-A. GRCh37 (hg19) VCF-style: chr4-86916723-G-A.
Other names: c.1631G>A, p.Ser544Asn (NM_001042669.2); c.1661G>A, p.Ser554Asn (NM_001287805.2); c.1337G>A, p.Ser446Asn (NM_001346093.2); c.1637G>A, p.Ser546Asn (NM_031305.3); short protein forms S639N, S544N, S554N, S446N, S546N.
Identifiers: ClinVar variation 384542 (VCV000384542.14), dbSNP rs200213078, ClinGen allele CA2994819.